The following is an entry in ClinVar:

NM_000038.6(APC):c.2677G>A (p.Glu893Lys)

Gene: APC (APC regulator of Wnt signaling pathway; plus strand). Cytogenetic location: 5q22.2.
Variant type: single nucleotide variant.
Coding change: c.2677G>A on transcript NM_000038.6 (MANE Select); coding-DNA position 2677, G replaced by A.
Protein change: p.Glu893Lys; replaces glutamic acid 893 with lysine.
Molecular consequence: missense variant.
Genome position (GRCh38, 1-based): chr5:112,838,271, G>A. VCF-style: chr5-112838271-G-A. GRCh37 (hg19) VCF-style: chr5-112173968-G-A.
Other names: c.2677G>A, p.Glu893Lys (NM_001127510.3, NM_001354895.2); c.2623G>A, p.Glu875Lys (NM_001127511.3); c.2731G>A, p.Glu911Lys (NM_001354896.2); c.2707G>A, p.Glu903Lys (NM_001354897.2); c.2602G>A, p.Glu868Lys (NM_001354898.2); c.2593G>A, p.Glu865Lys (NM_001354899.2); c.2554G>A, p.Glu852Lys (NM_001354900.2); c.2500G>A, p.Glu834Lys (NM_001354901.2); and 6 more; short protein forms E893K, E875K, E792K, E911K, E733K, E865K, E767K, E903K.
Identifiers: ClinVar variation 41501 (VCV000041501.31), dbSNP rs199740875, ClinGen allele CA007732.
Genomic context (GRCh38, chr5:112,838,271, plus strand): 5'-TCTTCAAAGCGAGGTTTGCAGATCTCCACCACTGCAGCCCAGATTGCCAAAGTCATGGAA[G>A]AAGTGTCAGCCATTCATACCTCTCAGGAAGACAGAAGTTCTGGGTCTACCACTGAATTAC-3'
Protein context (NP_000029.2, residues 883-903): TAAQIAKVME[Glu893Lys]VSAIHTSQED

ClinVar aggregate classification (germline): Conflicting classifications of pathogenicity. Review status: criteria provided, conflicting classifications (1 of 4 stars). 11 submissions from 11 submitters: Uncertain significance (7); Likely benign (2). 2 of the submissions do not count toward it. Last evaluated 2025-07-30.

Conditions:
Classic or attenuated familial adenomatous polyposis. Identifiers: MedGen CN372698, MONDO:0021057.
Hereditary cancer-predisposing syndrome. Also called: Tumor predisposition; Neoplastic Syndromes, Hereditary; Hereditary neoplastic syndrome; Hereditary Cancer Syndrome. Identifiers: Orphanet 140162, MedGen C0027672, MeSH D009386, MONDO:0015356.
Familial adenomatous polyposis 1 (FAP1). Also called: FAMILIAL ADENOMATOUS POLYPOSIS 1, ATTENUATED; POLYPOSIS, ADENOMATOUS INTESTINAL. Identifiers: MedGen C2713442, MONDO:0021056, OMIM 175100. Disease mechanism: loss of function.

Allele frequency attached by ClinVar (database versions not stated): gnomAD 0.00001; TOPMed 0.00001; gnomAD exomes 0.00002; ExAC 0.00005; ESP Exome Variant Server 0.00008.
gnomAD v4.1: 36 of 1,614,100 alleles (0.0022%); highest among the groups gnomAD compares: Non-Finnish European, 0.0028%; no homozygotes.

Submissions (11):

Labcorp Genetics (formerly Invitae), Labcorp
Classification: Uncertain significance for Familial adenomatous polyposis 1. Last evaluated: 2025-07-30. Review status: criteria provided, single submitter. Criteria: Invitae Variant Classification Sherloc (09022015). Collection method: clinical testing. Allele origin: germline.
Comment: This sequence change replaces glutamic acid, which is acidic and polar, with lysine, which is basic and polar, at codon 893 of the APC protein (p.Glu893Lys). This variant is present in population databases (rs199740875, gnomAD 0.006%). This variant has not been reported in the literature in individuals affected with APC-related conditions. ClinVar contains an entry for this variant (Variation ID: 41501). Invitae Evidence Modeling of protein sequence and biophysical properties (such as structural, functional, and spatial information, amino acid conservation, physicochemical variation, residue mobility, and thermodynamic stability) indicates that this missense variant is not expected to disrupt APC protein function with a negative predictive value of 95%. In summary, the available evidence is currently insufficient to determine the role of this variant in disease. Therefore, it has been classified as a Variant of Uncertain Significance.

Women's Health and Genetics/Laboratory Corporation of America, LabCorp
Classification: Uncertain significance. Last evaluated: 2025-02-19. Review status: criteria provided, single submitter. Criteria: LabCorp Variant Classification Summary - May 2015. Collection method: clinical testing. Allele origin: germline.
Comment: Variant summary: APC c.2677G>A (p.Glu893Lys) results in a conservative amino acid change in the encoded protein sequence. Three of five in-silico tools predict a damaging effect of the variant on protein function. The variant allele was found at a frequency of 2.3e-05 in 1615244 control chromosomes, predominantly at a frequency of 2.8e-05 within the Non-Finnish European subpopulation in the gnomAD database. This frequency is not significantly higher than estimated for a pathogenic variant in APC causing Familial Adenomatous Polyposis (2.3e-05 vs 7.1e-05), allowing no conclusion about variant significance. The variant was reported in the literature as an incidental finding in 1/572 individuals in an exome sequencing study (i.e. the ClinSeq study, involving participants of 45-65 years of age, selected for a range of atherosclerosis phenotypes, but not for personal or family histories of cancer) (Johnston_2012). To our knowledge, no occurrence of c.2677G>A in individuals affected with Familial Adenomatous Polyposis and no experimental evidence demonstrating its impact on protein function have been reported. To our knowledge, no experimental evidence demonstrating an impact on protein function has been reported. The following publications have been ascertained in the context of this evaluation (PMID: 22703879, 34205480). ClinVar contains an entry for this variant (Variation ID: 41501). Based on the evidence outlined above, the variant was classified as uncertain significance.

Blueprint Genetics
Classification: Uncertain significance. Last evaluated: 2024-11-22. Review status: criteria provided, single submitter. Criteria: ACMG Guidelines, 2015. Collection method: clinical testing. Allele origin: germline.

All of Us Research Program, National Institutes of Health
Classification: Uncertain significance for Classic or attenuated familial adenomatous polyposis. Last evaluated: 2024-05-30. Review status: criteria provided, single submitter. Criteria: ACMG Guidelines, 2015. Collection method: clinical testing. Allele origin: germline. Inheritance: Autosomal dominant inheritance. Observed: 8 variant alleles, 8 heterozygotes.
Comment: This missense variant replaces glutamic acid with lysine at codon 893 of the APC protein. Computational prediction is inconclusive regarding the impact of this variant on protein structure and function (internally defined REVEL score threshold 0.5 < inconclusive < 0.7, PMID: 27666373). To our knowledge, functional studies have not been reported for this variant. This variant has not been reported in individuals affected with APC-related disorders in the literature. This variant has been identified in 6/250796 chromosomes in the general population by the Genome Aggregation Database (gnomAD). The available evidence is insufficient to determine the role of this variant in disease conclusively. Therefore, this variant is classified as a Variant of Uncertain Significance.

This study involves interpretation of variants in research participants for the purpose of population health screening. Participant phenotype was not available at the time of variant classification. Additional details can be found in publication PMID: 35346344, PMCID: PMC8962531

Color Diagnostics, LLC DBA Color Health
Classification: Uncertain significance for Hereditary cancer-predisposing syndrome. Last evaluated: 2024-05-08. Review status: criteria provided, single submitter. Criteria: ACMG Guidelines, 2015. Collection method: clinical testing. Allele origin: germline.
Comment: This missense variant replaces glutamic acid with lysine at codon 893 of the APC protein. Computational prediction is inconclusive regarding the impact of this variant on protein structure and function (internally defined REVEL score threshold 0.5 < inconclusive < 0.7, PMID: 27666373). To our knowledge, functional studies have not been reported for this variant. This variant has not been reported in individuals affected with APC-related disorders in the literature. This variant has been identified in 6/250796 chromosomes in the general population by the Genome Aggregation Database (gnomAD). The available evidence is insufficient to determine the role of this variant in disease conclusively. Therefore, this variant is classified as a Variant of Uncertain Significance.

Baylor Genetics
Classification: Uncertain significance for Familial adenomatous polyposis 1. Last evaluated: 2024-03-06. Review status: criteria provided, single submitter. Criteria: ACMG Guidelines, 2015. Collection method: clinical testing. Allele origin: unknown.

GeneDx
Classification: Uncertain significance. Last evaluated: 2024-01-29. Review status: criteria provided, single submitter. Criteria: GeneDx Variant Classification Process June 2021. Collection method: clinical testing. Allele origin: germline. Affected: yes.
Comment: In silico analysis supports that this missense variant has a deleterious effect on protein structure/function; Has not been previously published as pathogenic or benign to our knowledge; This variant is associated with the following publications: (PMID: 22703879, 25801821, 29876005, 29106415)

Ambry Genetics
Classification: Likely benign for Hereditary cancer-predisposing syndrome. Last evaluated: 2023-09-20. Review status: criteria provided, single submitter. Criteria: Ambry Variant Classification Scheme 2023. Collection method: clinical testing. Allele origin: germline.

Myriad Genetics, Inc.
Classification: Likely benign for Familial adenomatous polyposis 1. Last evaluated: 2023-02-23. Review status: criteria provided, single submitter. Criteria: Myriad Autosomal Dominant, Autosomal Recessive and X-Linked Classification Criteria (2023). Collection method: clinical testing. Allele origin: unknown.
Comment: This variant is considered likely benign. This variant has been observed at a population frequency that is significantly greater than expected given the associated disease prevalence and penetrance.

Counsyl
Classification: Uncertain significance for Familial adenomatous polyposis 1. Last evaluated: 2016-10-03. Review status: no assertion criteria provided. Collection method: clinical testing. Allele origin: unknown. Not counted in ClinVar's aggregate classification.

Biesecker Lab/Clinical Genomics Section, National Institutes of Health
Classification: Uncertain significance. Last evaluated: 2012-07-13. Review status: no assertion criteria provided. Collection method: research. Allele origin: germline. Affected: no. Observed: 1 variant allele. Study: ClinSeq. Not counted in ClinVar's aggregate classification.
ClinVar note: Converted during submission from variant of unknown significance to Uncertain significance.

Literature cited by the submitters: PubMed 34205480 (cited by Women's Health and Genetics/Laboratory Corporation of America, LabCorp).